The following is an entry in ClinVar:

ClinVar aggregate classification (germline): Uncertain significance. Review status: criteria provided, multiple submitters, no conflicts (2 of 4 stars). 2 submissions from 2 submitters: Uncertain significance (2). Last evaluated 2023-12-30.

Conditions:
Autosomal dominant hypocalcemia 1 (HYPOC1). Also called: HYPOCALCEMIA, FAMILIAL. Identifiers: MedGen C3715128, MONDO:0011013, OMIM 601198.
Familial hypocalciuric hypercalcemia (FHH). Also called: Familial benign hypercalcemia. Identifiers: Orphanet 405, MedGen C1809471, MONDO:0018458.
Nephrolithiasis/nephrocalcinosis. Identifiers: MedGen CN580796.

Allele frequency attached by ClinVar (database versions not stated): gnomAD 0.00001.

Submissions (2):

Ambry Genetics
Classification: Uncertain significance for Nephrolithiasis/nephrocalcinosis. Last evaluated: 2023-12-30. Review status: criteria provided, single submitter. Criteria: Ambry Variant Classification Scheme 2023. Collection method: clinical testing. Allele origin: germline.
Comment: The p.T445N variant (also known as c.1334C>A), located in coding exon 3 of the CASR gene, results from a C to A substitution at nucleotide position 1334. The threonine at codon 445 is replaced by asparagine, an amino acid with similar properties. This amino acid position is conserved. In addition, this alteration is predicted to be tolerated by in silico analysis. Since supporting evidence is limited at this time, the clinical significance of this alteration remains unclear.

Labcorp Genetics (formerly Invitae), Labcorp
Classification: Uncertain significance for Familial hypocalciuric hypercalcemia; Autosomal dominant hypocalcemia 1. Last evaluated: 2023-09-12. Review status: criteria provided, single submitter. Criteria: Invitae Variant Classification Sherloc (09022015). Collection method: clinical testing. Allele origin: germline.
Comment: In summary, the available evidence is currently insufficient to determine the role of this variant in disease. Therefore, it has been classified as a Variant of Uncertain Significance. An algorithm developed to predict the effect of missense changes on protein structure and function (PolyPhen-2) suggests that this variant is likely to be tolerated. This sequence change replaces threonine, which is neutral and polar, with asparagine, which is neutral and polar, at codon 445 of the CASR protein (p.Thr445Asn). This variant is not present in population databases (gnomAD no frequency). This variant has not been reported in the literature in individuals affected with CASR-related conditions. ClinVar contains an entry for this variant (Variation ID: 1011746).

NM_000388.4(CASR):c.1334C>A (p.Thr445Asn)

Gene: CASR (calcium sensing receptor; plus strand). Cytogenetic location: 3q21.1.
Variant type: single nucleotide variant.
Coding change: c.1334C>A on transcript NM_000388.4 (MANE Select); coding-DNA position 1334, C replaced by A.
Protein change: p.Thr445Asn; replaces threonine 445 with asparagine.
Molecular consequence: missense variant.
Genome position (GRCh38, 1-based): chr3:122,262,369, C>A. VCF-style: chr3-122262369-C-A. GRCh37 (hg19) VCF-style: chr3-121981216-C-A.
Other names: c.1334C>A, p.Thr445Asn (NM_001178065.2); c.1334C>A (NM_000388.3); short protein forms T445N.
Identifiers: ClinVar variation 1011746 (VCV001011746.10), dbSNP rs1471887387, ClinGen allele CA354153181.
Genomic context (GRCh38, chr3:122,262,369, plus strand): 5'-ACTCCATTGCCCACGCCTTGCAAGATATATATACCTGCTTACCTGGGAGAGGGCTCTTCA[C>A]CAATGGCTCCTGTGCAGACATCAAGAAAGTTGAGGCGTGGCAGGTGCGTCCTTCACTTAT-3'
Protein context (NP_000379.3, residues 435-455): YTCLPGRGLF[Thr445Asn]NGSCADIKKV